The following is an entry in ClinVar:

NM_018960.6(GNMT):c.671C>T (p.Thr224Met)

Genes: CNPY3-GNMT (CNPY3-GNMT readthrough; plus strand), GNMT (glycine N-methyltransferase; plus strand). Cytogenetic location: 6p21.1.
Variant type: single nucleotide variant.
Coding change: c.671C>T on transcript NM_018960.6 (MANE Select); coding-DNA position 671, C replaced by T.
Protein change: p.Thr224Met; replaces threonine 224 with methionine.
Molecular consequence: missense variant. On other transcripts: non-coding transcript variant (4).
Genome position (GRCh38, 1-based): chr6:42,963,404, C>T. VCF-style: chr6-42963404-C-T. GRCh37 (hg19) VCF-style: chr6-42931142-C-T.
Other names: c.473C>T, p.Thr158Met (NM_001318856.2); c.488C>T, p.Thr163Met (NM_001318857.2); c.380C>T, p.Thr127Met (NM_001318858.2); c.614C>T, p.Thr205Met (NM_001318865.2); short protein forms T158M, T205M, T224M, T127M, T163M.
Identifiers: ClinVar variation 2080697 (VCV002080697.4), dbSNP rs752763722, ClinGen allele CA3810775.

ClinVar aggregate classification (germline): Uncertain significance (1 of 4 stars; one submission).

Allele frequency attached by ClinVar (database versions not stated): gnomAD 0.00001; gnomAD exomes 0.00001; ExAC 0.00002.
gnomAD v4.1: 20 of 1,613,558 alleles (0.0012%); highest among the groups gnomAD compares: East Asian, 0.0022%; no homozygotes.

Submission:

Labcorp Genetics (formerly Invitae), Labcorp
Classification: Uncertain significance. Last evaluated: 2025-03-27. Review status: criteria provided, single submitter. Criteria: Invitae Variant Classification Sherloc (09022015). Collection method: clinical testing. Allele origin: germline.
Comment: This sequence change replaces threonine, which is neutral and polar, with methionine, which is neutral and non-polar, at codon 224 of the GNMT protein (p.Thr224Met). This variant is present in population databases (rs752763722, gnomAD 0.01%). This variant has not been reported in the literature in individuals affected with GNMT-related conditions. ClinVar contains an entry for this variant (Variation ID: 2080697). Invitae Evidence Modeling of protein sequence and biophysical properties (such as structural, functional, and spatial information, amino acid conservation, physicochemical variation, residue mobility, and thermodynamic stability) indicates that this missense variant is not expected to disrupt GNMT protein function with a negative predictive value of 80%. In summary, the available evidence is currently insufficient to determine the role of this variant in disease. Therefore, it has been classified as a Variant of Uncertain Significance.